The following is an entry in ClinVar:

NM_000501.4(ELN):c.493G>T (p.Val165Leu)

Gene: ELN (elastin; plus strand). Cytogenetic location: 7q11.23.
Variant type: single nucleotide variant.
Coding change: c.493G>T on transcript NM_000501.4 (MANE Select); coding-DNA position 493, G replaced by T.
Protein change: p.Val165Leu; replaces valine 165 with leucine.
Molecular consequence: missense variant. On other transcripts: intron variant (1).
Genome position (GRCh38, 1-based): chr7:74,045,245, G>T. VCF-style: chr7-74045245-G-T. GRCh37 (hg19) VCF-style: chr7-73459575-G-T.
Other names: c.463G>T, p.Val155Leu (NM_001081752.3, NM_001278917.2); c.508G>T, p.Val170Leu (NM_001081753.3, NM_001081754.3); c.493G>T, p.Val165Leu (NM_001081755.3, NM_001278912.2, NM_001278915.2 and 2 more transcripts); c.457G>T, p.Val153Leu (NM_001278913.2); c.478G>T, p.Val160Leu (NM_001278914.2); c.439+1325G>T (NM_001278918.2); short protein forms V165L, V160L, V170L, V155L, V153L.
Identifiers: ClinVar variation 193626 (VCV000193626.17), dbSNP rs61734581, ClinGen allele CA200686.

ClinVar aggregate classification (germline): Benign/Likely benign. Review status: criteria provided, multiple submitters, no conflicts (2 of 4 stars). 5 submissions from 5 submitters: Benign (4); Likely benign (1). Last evaluated 2026-02-02.

Conditions:
Supravalvar aortic stenosis (SVAS). Also called: Supravalvar aortic stenosis, Eisenberg type. Identifiers: Orphanet 3193, MedGen C0003499, MONDO:0008504, OMIM 185500, HP:0004381.

Allele frequency attached by ClinVar (database versions not stated): ExAC 0.00162; gnomAD 0.00439 and 0.00472; TOPMed 0.00496; 1000 Genomes Project 0.00539; 1000 Genomes Project 30x 0.00593; ESP Exome Variant Server 0.00646.
gnomAD v4.1: 1,362 of 1,614,168 alleles (0.084%); highest among the groups gnomAD compares: African/African-American, 1.5%; 9 homozygotes.

Submissions (5):

Labcorp Genetics (formerly Invitae), Labcorp
Classification: Benign for Supravalvar aortic stenosis. Last evaluated: 2026-02-02. Review status: criteria provided, single submitter. Criteria: Invitae Variant Classification Sherloc (09022015). Collection method: clinical testing. Allele origin: germline.

Molecular Diagnostic Laboratory for Inherited Cardiovascular Disease, Montreal Heart Institute
Classification: Likely benign. Last evaluated: 2025-07-24. Review status: criteria provided, single submitter. Criteria: ACMG Guidelines, 2015. Collection method: clinical testing. Allele origin: germline. Affected: no.
Comment: BS1;BP6

GeneDx
Classification: Benign. Last evaluated: 2017-10-24. Review status: criteria provided, single submitter. Criteria: GeneDx Variant Classification (06012015). Collection method: clinical testing. Allele origin: germline. Affected: yes.
Comment: This variant is considered likely benign or benign based on one or more of the following criteria: it is a conservative change, it occurs at a poorly conserved position in the protein, it is predicted to be benign by multiple in silico algorithms, and/or has population frequency not consistent with disease.

Eurofins Ntd Llc (ga)
Classification: Benign. Last evaluated: 2015-04-07. Review status: criteria provided, single submitter. Criteria: EGL Classification Definitions 2015. Collection method: clinical testing. Allele origin: germline. Observed: 1 variant allele, 1 heterozygote.

Breakthrough Genomics
Classification: Benign. Review status: criteria provided, single submitter. Criteria: ACMG Guidelines, 2015. Collection method: not provided. Allele origin: germline. Inheritance: Autosomal dominant inheritance. Affected: yes.